The following is an entry in ClinVar:

ClinVar aggregate classification (germline): Uncertain significance. Review status: criteria provided, multiple submitters, no conflicts (2 of 4 stars). 2 submissions from 2 submitters: Uncertain significance (2). Last evaluated 2024-09-24.

Conditions:
Inborn genetic diseases. Identifiers: MedGen C0950123, MeSH D030342.

Allele frequency attached by ClinVar (database versions not stated): TOPMed below 0.00001.
gnomAD v4.1: 7 of 1,614,032 alleles (0.00043%); highest among the groups gnomAD compares: African/African-American, 0.008%; no homozygotes.

Submissions (2):

Ambry Genetics
Classification: Uncertain significance for Inborn genetic diseases. Last evaluated: 2024-09-24. Review status: criteria provided, single submitter. Criteria: Ambry Variant Classification Scheme 2023. Collection method: clinical testing. Allele origin: germline.

Labcorp Genetics (formerly Invitae), Labcorp
Classification: Uncertain significance. Last evaluated: 2022-10-05. Review status: criteria provided, single submitter. Criteria: Invitae Variant Classification Sherloc (09022015). Collection method: clinical testing. Allele origin: germline.
Comment: This sequence change replaces lysine, which is basic and polar, with glutamic acid, which is acidic and polar, at codon 110 of the SGPL1 protein (p.Lys110Glu). In summary, the available evidence is currently insufficient to determine the role of this variant in disease. Therefore, it has been classified as a Variant of Uncertain Significance. Advanced modeling of protein sequence and biophysical properties (such as structural, functional, and spatial information, amino acid conservation, physicochemical variation, residue mobility, and thermodynamic stability) performed at Invitae indicates that this missense variant is not expected to disrupt SGPL1 protein function. This variant has not been reported in the literature in individuals affected with SGPL1-related conditions. This variant is present in population databases (no rsID available, gnomAD no frequency).

NM_003901.4(SGPL1):c.328A>G (p.Lys110Glu)

Gene: SGPL1 (sphingosine-1-phosphate lyase 1; plus strand). Cytogenetic location: 10q22.1.
Variant type: single nucleotide variant.
Coding change: c.328A>G on transcript NM_003901.4 (MANE Select); coding-DNA position 328, A replaced by G.
Protein change: p.Lys110Glu; replaces lysine 110 with glutamic acid.
Molecular consequence: missense variant.
Genome position (GRCh38, 1-based): chr10:70,854,774, A>G. VCF-style: chr10-70854774-A-G. GRCh37 (hg19) VCF-style: chr10-72614531-A-G.
Other names: c.328A>G (NM_003901.3); short protein forms K110E.
Identifiers: ClinVar variation 2418478 (VCV002418478.5), dbSNP rs1404234630, ClinGen allele CA377117658.
Genomic context (GRCh38, chr10:70,854,774, plus strand): 5'-GACAAGTTGAACAAGACCAAGGATGATATTAGCAAGAACATGTCATTCCTGAAAGTGGAC[A>G]AAGAGTATGTGAAAGCTTTACCCTCCCAGGGTCTGAGCTCATCTGCTGTTTTGGAGAAAC-3'
Protein context (NP_003892.2, residues 100-120): SKNMSFLKVD[Lys110Glu]EYVKALPSQG